The following is an entry in ClinVar:

ClinVar aggregate classification (germline): Uncertain significance. Review status: criteria provided, multiple submitters, no conflicts (2 of 4 stars). 11 submissions from 11 submitters: Uncertain significance (9). 2 of the submissions do not count toward it. Last evaluated 2026-02-20.

Conditions:
Cardiac arrhythmia. Also called: Arrhythmia; Cardiac rhythm disease. Identifiers: MedGen C0003811, MONDO:0007263, HP:0011675.
Cardiovascular phenotype. Identifiers: MedGen CN230736.
Familial long QT syndrome (RWS). Also called: Congenital long QT syndrome; Romano-Ward syndrome; VENTRICULAR FIBRILLATION WITH PROLONGED QT INTERVAL. Identifiers: Orphanet 768, MedGen C1141890, MONDO:0019171.
Short QT syndrome type 1. Identifiers: Orphanet 51083, MedGen C1865020, MONDO:0012312, OMIM 609620.
Long QT syndrome 2 (LQT2). Identifiers: Orphanet 101016, Orphanet 768, MedGen C3150943, MONDO:0013367, OMIM 613688.
Long QT syndrome (LQTS). Identifiers: MedGen C0023976, MeSH D008133, MONDO:0002442. Disease mechanism: loss of function. Inheritance: Various modes of inheritance.

Allele frequency attached by ClinVar (database versions not stated): gnomAD 0.00002; gnomAD exomes 0.00005 and 0.00008; TOPMed 0.00004; ExAC 0.00019.
gnomAD v4.1: 116 of 1,590,340 alleles (0.0073%); highest among the groups gnomAD compares: Middle Eastern, 0.018%; no homozygotes.

Submissions 1 to 9 of 11:

Dasa
Classification: Uncertain significance for long QT syndrome. Last evaluated: 2026-02-20. Review status: criteria provided, single submitter. Criteria: DASA Assertion Criteria. Collection method: clinical testing. Allele origin: germline.
Comment: NM_000238.4(KCNH2):c.3457C>T (p.His1153Tyr) is a missense variant that results in the substitution of histidine with tyrosine. Functional evidence supports an impact on the gene or gene product (PMID: 34502138; PMID: 16414944; PMID: 26164358). Also, this variant is rare in population databases. Computational prediction algorithms are consistent with a deleterious effect. The currently available literature and clinical evidence are not sufficient to establish a definitive association between this variant and the reported condition. Therefore, this variant is classified as a variant of uncertain significance.

Labcorp Genetics (formerly Invitae), Labcorp
Classification: Uncertain significance for Long QT syndrome. Last evaluated: 2026-01-20. Review status: criteria provided, single submitter. Criteria: Invitae Variant Classification Sherloc (09022015). Collection method: clinical testing. Allele origin: germline.
Comment: This sequence change replaces histidine, which is basic and polar, with tyrosine, which is neutral and polar, at codon 1153 of the KCNH2 protein (p.His1153Tyr). This variant is present in population databases (rs199473035, gnomAD 0.009%). This missense change has been observed in individual(s) with long QT syndrome (PMID: 16414944, 26164358, 34502138, 37901857). ClinVar contains an entry for this variant (Variation ID: 67497). An algorithm developed to predict the effect of missense changes on protein structure and function (PolyPhen-2) suggests that this variant is likely to be disruptive. Experimental studies have shown that this missense change affects KCNH2 function (PMID: 34502138). In summary, the available evidence is currently insufficient to determine the role of this variant in disease. Therefore, it has been classified as a Variant of Uncertain Significance.

Ambry Genetics
Classification: Uncertain significance for Cardiovascular phenotype. Last evaluated: 2025-05-19. Review status: criteria provided, single submitter. Criteria: Ambry Variant Classification Scheme 2023. Collection method: clinical testing. Allele origin: germline.
Comment: The p.H1153Y variant (also known as c.3457C>T), located in coding exon 15 of the KCNH2 gene, results from a C to T substitution at nucleotide position 3457. The histidine at codon 1153 is replaced by tyrosine, an amino acid with similar properties. This alteration has been reported in long QT syndrome genetic testing cohorts (Napolitano C et al. JAMA, 2005 Dec;294:2975-80; Walsh R et al. Genet Med, 2021 Jan;23:47-58). Additionally, this alteration was detected in a sudden unexplained death cohort, and an in vitro assay showed it may impact protein function (Farrugia A et al. Forensic Sci. Int., 2015 Sep;254:5-11; Farrugia A et al. Int J Mol Sci, 2021 Aug;22:[ePub ahead of print]). This amino acid position is highly conserved in available vertebrate species. In addition, this alteration is predicted to be deleterious by in silico analysis. Since supporting evidence is limited at this time, the clinical significance of this alteration remains unclear.

ARUP Laboratories, Molecular Genetics and Genomics, ARUP Laboratories
Classification: Uncertain significance. Last evaluated: 2025-04-07. Review status: criteria provided, single submitter. Criteria: ARUP Molecular Germline Variant Investigation Process 2024. Collection method: clinical testing. Allele origin: germline.
Comment: The KCNH2 c.3457C>T; p.His1153Tyr variant (rs199473035, ClinVar Variation ID: 67497) is reported in the literature in individuals affected with long QT syndrome (Bora 2023, Napolitano 2005, Walsh 2021) and in one individual with sudden unexplained death (Farrugia 2015). This variant is found in the general population with an overall allele frequency of 0.005% (10/207,056 alleles) in the Genome Aggregation Database (v2.1.1). In vitro functional analyses demonstrate a reduction in channel current density but no impact on protein trafficking to the cell membrane (Farrugia 2021). Additionally, computational analyses predict that this variant is deleterious (REVEL: 0.885). Due to limited information, the clinical significance of this variant is uncertain at this time. References: Bora E et al. Clinical Heterogeneity in Patients with Long QT Syndrome and Segregation of Single Nucleotide Variants and Clinical Symptoms in 17 Affected Families. Mol Syndromol. 2023 Oct;14(5):363-374. PMID: 37901857. Farrugia A et al. Targeted next generation sequencing application in cardiac channelopathies: Analysis of a cohort of autopsy-negative sudden unexplained deaths. Forensic Sci Int. 2015 Sep;254:5-11. PMID: 26164358. Farrugia A et al. H1153Y-KCNH2 Mutation Identified in a Sudden Arrhythmic Death Syndrome Case Alters Channel Gating. Int J Mol Sci. 2021 Aug 26;22(17):9235. PMID: 34502138. Napolitano C et al. Genetic testing in the long QT syndrome: development and validation of an efficient approach to genotyping in clinical practice. JAMA. 2005 Dec 21;294(23):2975-80. PMID: 16414944. Walsh R et al. Enhancing rare variant interpretation in inherited arrhythmias through quantitative analysis of consortium disease cohorts and population controls. Genet Med. 2021 Jan;23(1):47-58. PMID: 32893267.

All of Us Research Program, National Institutes of Health
Classification: Uncertain significance for Long QT syndrome. Last evaluated: 2024-09-27. Review status: criteria provided, single submitter. Criteria: ACMG Guidelines, 2015. Collection method: clinical testing. Allele origin: germline. Inheritance: Autosomal dominant inheritance. Observed: 24 variant alleles, 24 heterozygotes.
Comment: This missense variant replaces histidine with tyrosine at codon 1153 of the KCNH2 protein. Computational prediction suggests that this variant may have deleterious impact on protein structure and function (internally defined REVEL score threshold >= 0.7, PMID: 27666373). A functional study with cell culture system has shown that this variant causes a reduction in the channel current density, without apparent impact on channel trafficking to the cell membrane (PMID: 34502138). This variant has been reported in an individual affected with long QT syndrome (PMID: 16414944) and in an individual affected with sudden death (PMID: 26164358). This variant has been identified in 10/207056 chromosomes in the general population by the Genome Aggregation Database (gnomAD). The available evidence is insufficient to determine the role of this variant in disease conclusively. Therefore, this variant is classified as a Variant of Uncertain Significance.

This study involves interpretation of variants in research participants for the purpose of population health screening. Participant phenotype was not available at the time of variant classification. Additional details can be found in publication PMID: 35346344, PMCID: PMC8962531

Color Diagnostics, LLC DBA Color Health
Classification: Uncertain significance for Cardiac arrhythmia. Last evaluated: 2024-04-23. Review status: criteria provided, single submitter. Criteria: ACMG Guidelines, 2015. Collection method: clinical testing. Allele origin: germline.
Comment: This missense variant replaces histidine with tyrosine at codon 1153 of the KCNH2 protein. Computational prediction suggests that this variant may have deleterious impact on protein structure and function (internally defined REVEL score threshold >= 0.7, PMID: 27666373). A functional study with cell culture system has shown that this variant causes a reduction in the channel current density, without apparent impact on channel trafficking to the cell membrane (PMID: 34502138). This variant has been reported in an individual affected with long QT syndrome (PMID: 16414944) and in an individual affected with sudden death (PMID: 26164358). This variant has been identified in 10/207056 chromosomes in the general population by the Genome Aggregation Database (gnomAD). The available evidence is insufficient to determine the role of this variant in disease conclusively. Therefore, this variant is classified as a Variant of Uncertain Significance.

KardioGenetik, Herz- und Diabeteszentrum NRW
Classification: Uncertain significance for Long QT syndrome 2. Last evaluated: 2023-10-18. Review status: criteria provided, single submitter. Criteria: ACMG Guidelines, 2015. Collection method: clinical testing. Allele origin: unknown. Observed: 1 variant allele.

Fulgent Genetics
Classification: Uncertain significance for Short QT syndrome type 1; Long QT syndrome 2. Last evaluated: 2021-08-23. Review status: criteria provided, single submitter. Criteria: ACMG Guidelines, 2015. Collection method: clinical testing. Allele origin: unknown.

GeneDx
Classification: Uncertain significance. Last evaluated: 2021-01-13. Review status: criteria provided, single submitter. Criteria: GeneDx Variant Classification Process June 2021. Collection method: clinical testing. Allele origin: germline. Affected: yes.
Comment: Reported in an individual with LQTS (Napolitano et al., 2005) and in an individual with sudden unexplained death while exercising (Farrugia et al., 2015); Reported in ClinVar as a variant of uncertain significance (ClinVar Variant ID# 67497; Landrum et al., 2016); In silico analysis supports that this missense variant does not alter protein structure/function; This variant is associated with the following publications: (PMID: 32048431, 22581653, 26164358, 16414944, 19862833)

NM_000238.4(KCNH2):c.3457C>T (p.His1153Tyr)

Gene: KCNH2 (potassium voltage-gated channel subfamily H member 2; minus strand). Cytogenetic location: 7q36.1.
Variant type: single nucleotide variant.
Coding change: c.3457C>T on transcript NM_000238.4 (MANE Select); coding-DNA position 3457, C replaced by T.
Protein change: p.His1153Tyr; replaces histidine 1153 with tyrosine.
Molecular consequence: missense variant.
Genome position (GRCh38, 1-based): chr7:150,945,388, G>A on the plus strand (C>T on the coding strand, the complement: KCNH2 is on the minus strand). VCF-style: chr7-150945388-G-A. GRCh37 (hg19) VCF-style: chr7-150642476-G-A.
Other names: c.2437C>T, p.His813Tyr (NM_172057.3); c.3457C>T (LRG_288t1); short protein forms H1153Y, H813Y.
Identifiers: ClinVar variation 67497 (VCV000067497.58), dbSNP rs199473035, ClinGen allele CA008330.